The following is an entry in ClinVar:

NM_001267727.2(ARSG):c.731A>G (p.Tyr244Cys)

Gene: ARSG (arylsulfatase G; plus strand). Cytogenetic location: 17q24.2.
Variant type: single nucleotide variant.
Coding change: c.731A>G on transcript NM_001267727.2 (MANE Select); coding-DNA position 731, A replaced by G.
Protein change: p.Tyr244Cys; replaces tyrosine 244 with cysteine.
Molecular consequence: missense variant.
Genome position (GRCh38, 1-based): chr17:68,368,574, A>G. VCF-style: chr17-68368574-A-G. GRCh37 (hg19) VCF-style: chr17-66364715-A-G.
Other names: c.731A>G, p.Tyr244Cys (NM_001352899.2, NM_001352900.2, NM_001352901.2 and 3 more transcripts); c.728A>G, p.Tyr243Cys (NM_001352903.2, NM_001352904.2, NM_001352905.2 and 2 more transcripts); c.683A>G, p.Tyr228Cys (NM_001352909.2); short protein forms Y228C, Y243C, Y244C.
Identifiers: ClinVar variation 1060258 (VCV001060258.7), dbSNP rs750956001, ClinGen allele CA8728347.

ClinVar aggregate classification (germline): Uncertain significance. Review status: criteria provided, multiple submitters, no conflicts (2 of 4 stars). 2 submissions from 2 submitters: Uncertain significance (2). Last evaluated 2024-11-08.

Allele frequency attached by ClinVar (database versions not stated): gnomAD 0.00001 and 0.00002; TOPMed 0.00002; gnomAD exomes 0.00004; ExAC 0.00007.
gnomAD v4.1: 47 of 1,613,966 alleles (0.0029%); highest among the groups gnomAD compares: East Asian, 0.0045%; no homozygotes.

Submissions (2):

Blueprint Genetics
Classification: Uncertain significance. Last evaluated: 2024-11-08. Review status: criteria provided, single submitter. Criteria: ACMG Guidelines, 2015. Collection method: clinical testing. Allele origin: germline.

Labcorp Genetics (formerly Invitae), Labcorp
Classification: Uncertain significance. Last evaluated: 2022-07-26. Review status: criteria provided, single submitter. Criteria: Invitae Variant Classification Sherloc (09022015). Collection method: clinical testing. Allele origin: germline.
Comment: This sequence change replaces tyrosine, which is neutral and polar, with cysteine, which is neutral and slightly polar, at codon 244 of the ARSG protein (p.Tyr244Cys). This variant is present in population databases (rs750956001, gnomAD 0.04%). This variant has not been reported in the literature in individuals affected with ARSG-related conditions. ClinVar contains an entry for this variant (Variation ID: 1060258). Algorithms developed to predict the effect of missense changes on protein structure and function (SIFT, PolyPhen-2, Align-GVGD) all suggest that this variant is likely to be disruptive. In summary, the available evidence is currently insufficient to determine the role of this variant in disease. Therefore, it has been classified as a Variant of Uncertain Significance.